The following is an entry in ClinVar:

ClinVar aggregate classification (germline): Uncertain significance (1 of 4 stars; one submission).

Submission:

Ambry Genetics
Classification: Uncertain significance. Last evaluated: 2024-01-25. Review status: criteria provided, single submitter. Criteria: Ambry Variant Classification Scheme 2023. Collection method: clinical testing. Allele origin: germline.
Comment: The p.P1269H variant (also known as c.3806C>A), located in coding exon 4 of the ALPK2 gene, results from a C to A substitution at nucleotide position 3806. The proline at codon 1269 is replaced by histidine, an amino acid with similar properties. This amino acid position is conserved. In addition, this alteration is predicted to be tolerated by in silico analysis. Based on the available evidence, the clinical significance of this alteration remains unclear.

NM_052947.4(ALPK2):c.3806C>A (p.Pro1269His)

Genes: ALPK2 (alpha kinase 2; minus strand), LOC126862764 (BRD4-independent group 4 enhancer GRCh37_chr18:56202574-56203773; plus strand). Cytogenetic location: 18q21.31.
Variant type: single nucleotide variant.
Coding change: c.3806C>A on transcript NM_052947.4 (MANE Select); coding-DNA position 3806, C replaced by A.
Protein change: p.Pro1269His; replaces proline 1269 with histidine.
Molecular consequence: missense variant.
Genome position (GRCh38, 1-based): chr18:58,536,381, G>T on the plus strand (C>A on the coding strand, the complement: ALPK2 is on the minus strand). VCF-style: chr18-58536381-G-T. GRCh37 (hg19) VCF-style: chr18-56203613-G-T.
Other names: short protein forms P1269H.
Identifiers: ClinVar variation 3228705 (VCV003228705.1), dbSNP rs2144146918, ClinGen allele CA402565546.